The following is an entry in ClinVar:

NM_014314.4(RIGI):c.1987G>C (p.Gly663Arg)

Gene: RIGI (RNA sensor RIG-I; minus strand). Cytogenetic location: 9p21.1.
Variant type: single nucleotide variant.
Coding change: c.1987G>C on transcript NM_014314.4 (MANE Select); coding-DNA position 1987, G replaced by C.
Protein change: p.Gly663Arg; replaces glycine 663 with arginine.
Molecular consequence: missense variant.
Genome position (GRCh38, 1-based): chr9:32,473,002, C>G on the plus strand (G>C on the coding strand, the complement: RIGI is on the minus strand). VCF-style: chr9-32473002-C-G. GRCh37 (hg19) VCF-style: chr9-32473000-C-G.
Other names: c.1546G>C, p.Gly516Arg (NM_001385910.1); c.1378G>C, p.Gly460Arg (NM_001385912.1); c.1972G>C, p.Gly658Arg (NM_001385913.1); c.1543G>C, p.Gly515Arg (NM_001385914.1); c.1981G>C, p.Gly661Arg (NM_001385907.1); c.1987G>C, p.Gly663Arg (NM_001385909.1); short protein forms G658R, G661R, G460R, G515R, G663R, G516R.
Identifiers: ClinVar variation 2865429 (VCV002865429.3), dbSNP rs2489303645, ClinGen allele CA373147644.

ClinVar aggregate classification (germline): Uncertain significance (1 of 4 stars; one submission).

Submission:

Labcorp Genetics (formerly Invitae), Labcorp
Classification: Uncertain significance. Last evaluated: 2023-05-18. Review status: criteria provided, single submitter. Criteria: Invitae Variant Classification Sherloc (09022015). Collection method: clinical testing. Allele origin: germline.
Comment: In summary, the available evidence is currently insufficient to determine the role of this variant in disease. Therefore, it has been classified as a Variant of Uncertain Significance. Advanced modeling of protein sequence and biophysical properties (such as structural, functional, and spatial information, amino acid conservation, physicochemical variation, residue mobility, and thermodynamic stability) performed at Invitae indicates that this missense variant is expected to disrupt DDX58 protein function. This variant has not been reported in the literature in individuals affected with DDX58-related conditions. This variant is not present in population databases (gnomAD no frequency). This sequence change replaces glycine, which is neutral and non-polar, with arginine, which is basic and polar, at codon 663 of the DDX58 protein (p.Gly663Arg).